The following is an entry in ClinVar:

NM_002386.4(MC1R):c.409G>T (p.Ala137Ser)

Gene: MC1R (melanocortin 1 receptor; plus strand). Cytogenetic location: 16q24.3.
Variant type: single nucleotide variant.
Coding change: c.409G>T on transcript NM_002386.4 (MANE Select); coding-DNA position 409, G replaced by T.
Protein change: p.Ala137Ser; replaces alanine 137 with serine.
Molecular consequence: missense variant.
Genome position (GRCh38, 1-based): chr16:89,919,667, G>T. VCF-style: chr16-89919667-G-T. GRCh37 (hg19) VCF-style: chr16-89986075-G-T.
Other names: short protein forms A137S.
Identifiers: ClinVar variation 4052402 (VCV004052402.2).

ClinVar aggregate classification (germline): Uncertain significance. Review status: criteria provided, multiple submitters, no conflicts (2 of 4 stars). 2 submissions from 2 submitters: Uncertain significance (2). Last evaluated 2025-09-01.

Conditions:
Melanoma, cutaneous malignant, susceptibility to, 5. Also called: Cutaneous malignant melanoma 5. Identifiers: Orphanet 618, MedGen C2751295, MONDO:0013133, OMIM 613099.

gnomAD v4.1: 2 of 1,606,150 alleles (0.00012%); no homozygotes.

Submissions (2):

Labcorp Genetics (formerly Invitae), Labcorp
Classification: Uncertain significance for Melanoma, cutaneous malignant, susceptibility to, 5. Last evaluated: 2025-09-01. Review status: criteria provided, single submitter. Criteria: Invitae Variant Classification Sherloc (09022015). Collection method: clinical testing. Allele origin: germline.
Comment: This sequence change replaces alanine, which is neutral and non-polar, with serine, which is neutral and polar, at codon 137 of the MC1R protein (p.Ala137Ser). This variant is not present in population databases (gnomAD no frequency). This variant has not been reported in the literature in individuals affected with MC1R-related conditions. ClinVar contains an entry for this variant (Variation ID: 4052402). Invitae Evidence Modeling of protein sequence and biophysical properties (such as structural, functional, and spatial information, amino acid conservation, physicochemical variation, residue mobility, and thermodynamic stability) indicates that this missense variant is not expected to disrupt MC1R protein function with a negative predictive value of 80%. In summary, the available evidence is currently insufficient to determine the role of this variant in disease. Therefore, it has been classified as a Variant of Uncertain Significance.

Ambry Genetics
Classification: Uncertain significance. Last evaluated: 2025-03-29. Review status: criteria provided, single submitter. Criteria: Ambry Variant Classification Scheme 2023. Collection method: clinical testing. Allele origin: germline.
Comment: The p.A137S variant (also known as c.409G>T), located in coding exon 1 of the MC1R gene, results from a G to T substitution at nucleotide position 409. The alanine at codon 137 is replaced by serine, an amino acid with similar properties. This amino acid position is conserved. In addition, this alteration is predicted to be tolerated by in silico analysis. Based on the available evidence, the clinical significance of this variant remains unclear.